The following is an entry in ClinVar:

ClinVar aggregate classification (germline): Uncertain significance (1 of 4 stars; one submission).

Conditions:
Diamond-Blackfan anemia 5 (DBA5). Also called: RPL35A-Related Diamond-Blackfan Anemia. Identifiers: Orphanet 124, MedGen C2675859, MONDO:0012925, OMIM 612528.

gnomAD v4.1: 26 of 1,614,066 alleles (0.0016%); highest among the groups gnomAD compares: Non-Finnish European, 0.0022%; no homozygotes.

Submission:

Labcorp Genetics (formerly Invitae), Labcorp
Classification: Uncertain significance for Diamond-Blackfan anemia 5. Last evaluated: 2025-10-09. Review status: criteria provided, single submitter. Criteria: Invitae Variant Classification Sherloc (09022015). Collection method: clinical testing. Allele origin: germline.
Comment: This sequence change replaces glycine, which is neutral and non-polar, with alanine, which is neutral and non-polar, at codon 17 of the RPL35A protein (p.Gly17Ala). This variant is present in population databases (no rsID available, gnomAD 0.002%). This variant has not been reported in the literature in individuals affected with RPL35A-related conditions. An algorithm developed to predict the effect of missense changes on protein structure and function (PolyPhen-2) suggests that this variant is likely to be tolerated. In summary, the available evidence is currently insufficient to determine the role of this variant in disease. Therefore, it has been classified as a Variant of Uncertain Significance.

NM_000996.4(RPL35A):c.50G>C (p.Gly17Ala)

Genes: DRC9 (dynein regulatory complex subunit 9; minus strand), RPL35A (ribosomal protein L35a; plus strand). Cytogenetic location: 3q29.
Variant type: single nucleotide variant.
Coding change: c.50G>C on transcript NM_000996.4 (MANE Select); coding-DNA position 50, G replaced by C.
Protein change: p.Gly17Ala; replaces glycine 17 with alanine.
Molecular consequence: missense variant. On other transcripts: intron variant (3).
Genome position (GRCh38, 1-based): chr3:197,951,197, G>C. VCF-style: chr3-197951197-G-C. GRCh37 (hg19) VCF-style: chr3-197678068-G-C.
Other names: c.50G>C, p.Gly17Ala (NM_001316311.2); c.-49-7146C>G (NM_001323028.2); c.-59-5511C>G (NM_032263.5); c.-374-5511C>G (NM_001323029.2); short protein forms G17A.
Identifiers: ClinVar variation 4811136 (VCV004811136.1).